The following is an entry in ClinVar:

ClinVar aggregate classification (germline): Uncertain significance (1 of 4 stars; one submission).

Conditions:
Hereditary cancer-predisposing syndrome. Also called: Neoplastic Syndromes, Hereditary; Tumor predisposition; Hereditary Cancer Syndrome; Hereditary neoplastic syndrome. Identifiers: Orphanet 140162, MedGen C0027672, MeSH D009386, MONDO:0015356.
Cardiovascular phenotype. Identifiers: MedGen CN230736.

Allele frequency attached by ClinVar (database versions not stated): gnomAD exomes below 0.00001.
gnomAD v4.1: 2 of 1,613,458 alleles (0.00012%); highest among the groups gnomAD compares: South Asian, 0.0022%; no homozygotes.

Submission:

Ambry Genetics
Classification: Uncertain significance for Cardiovascular phenotype; Hereditary cancer-predisposing syndrome. Last evaluated: 2022-02-21. Review status: criteria provided, single submitter. Criteria: Ambry Variant Classification Scheme 2023. Collection method: clinical testing. Allele origin: germline.
Comment: The p.D2524Y variant (also known as c.7570G>T), located in coding exon 51 of the NF1 gene, results from a G to T substitution at nucleotide position 7570. The aspartic acid at codon 2524 is replaced by tyrosine, an amino acid with highly dissimilar properties. This amino acid position is conserved. In addition, the in silico prediction for this alteration is inconclusive. Since supporting evidence is limited at this time, the clinical significance of this alteration remains unclear.

NM_001042492.3(NF1):c.7633G>T (p.Asp2545Tyr)

Gene: NF1 (neurofibromin 1; plus strand). Cytogenetic location: 17q11.2.
Variant type: single nucleotide variant.
Coding change: c.7633G>T on transcript NM_001042492.3 (MANE Select); coding-DNA position 7633, G replaced by T.
Protein change: p.Asp2545Tyr; replaces aspartic acid 2545 with tyrosine.
Molecular consequence: missense variant.
Genome position (GRCh38, 1-based): chr17:31,356,477, G>T. VCF-style: chr17-31356477-G-T. GRCh37 (hg19) VCF-style: chr17-29683495-G-T.
Other names: c.7570G>T, p.Asp2524Tyr (NM_000267.4); short protein forms D2524Y, D2545Y.
Identifiers: ClinVar variation 1759582 (VCV001759582.2), dbSNP rs2151581039, ClinGen allele CA399018010.